The following is an entry in ClinVar:

NM_001105206.3(LAMA4):c.-37G>A

Genes: LAMA4 (laminin subunit alpha 4; minus strand), LAMA4-AS1 (LAMA4 antisense RNA 1; plus strand). Cytogenetic location: 6q21.
Variant type: single nucleotide variant.
Coding change: c.-37G>A on transcript NM_001105206.3 (MANE Select); 37 bases upstream of the start codon, G replaced by A.
Molecular consequence: 5 prime UTR variant.
Genome position (GRCh38, 1-based): chr6:112,254,187, C>T on the plus strand (G>A on the coding strand, the complement: LAMA4 is on the minus strand). VCF-style: chr6-112254187-C-T. GRCh37 (hg19) VCF-style: chr6-112575389-C-T.
Other names: c.-37G>A (NM_001105207.3, NM_001105208.3, NM_001105209.3 and 1 more transcripts).
Identifiers: ClinVar variation 391553 (VCV000391553.1), dbSNP rs1057524135, ClinGen allele CA16605011.

ClinVar aggregate classification (germline): Likely benign (1 of 4 stars; one submission).

Allele frequency attached by ClinVar (database versions not stated): gnomAD 0.00001.

Submission:

GeneDx
Classification: Likely benign. Last evaluated: 2016-12-08. Review status: criteria provided, single submitter. Criteria: GeneDx Variant Classification (06012015). Collection method: clinical testing. Allele origin: germline. Affected: yes.
Comment: This variant is considered likely benign or benign based on one or more of the following criteria: it is a conservative change, it occurs at a poorly conserved position in the protein, it is predicted to be benign by multiple in silico algorithms, and/or has population frequency not consistent with disease.